The following is an entry in ClinVar:

ClinVar aggregate classification (germline): Uncertain significance (1 of 4 stars; one submission).

Conditions:
KRIT1-related disorder. Also called: KRIT1-related disorders; KRIT1-related condition.

Submission:

PreventionGenetics, part of Exact Sciences
Classification: Uncertain significance for KRIT1-related condition. Last evaluated: 2024-12-02. Review status: criteria provided, single submitter. Criteria: ACMG Guidelines, 2015. Collection method: clinical testing. Allele origin: germline.
Comment: The KRIT1 c.341C>T variant is predicted to result in the amino acid substitution p.Pro114Leu. To our knowledge, this variant has not been reported in the literature or in a large population database (gnomAD), indicating this variant is rare. At this time, the clinical significance of this variant is uncertain due to the absence of conclusive functional and genetic evidence.

NM_194454.3(KRIT1):c.341C>T (p.Pro114Leu)

Gene: KRIT1 (KRIT1 ankyrin repeat containing; minus strand). Cytogenetic location: 7q21.2.
Variant type: single nucleotide variant.
Coding change: c.341C>T on transcript NM_194454.3 (MANE Select); coding-DNA position 341, C replaced by T.
Protein change: p.Pro114Leu; replaces proline 114 with leucine.
Molecular consequence: missense variant. On other transcripts: 5 prime UTR variant (1).
Genome position (GRCh38, 1-based): chr7:92,237,681, G>A on the plus strand (C>T on the coding strand, the complement: KRIT1 is on the minus strand). VCF-style: chr7-92237681-G-A. GRCh37 (hg19) VCF-style: chr7-91866995-G-A.
Other names: c.341C>T, p.Pro114Leu (NM_001013406.2, NM_001350669.1, NM_001350670.1 and 29 more transcripts); c.-243C>T (NM_001350671.1); short protein forms P114L.
Identifiers: ClinVar variation 4998276 (VCV004998276.1).